The following is an entry in ClinVar:

ClinVar aggregate classification (germline): Uncertain significance (1 of 4 stars; one submission).

Submission:

Ambry Genetics
Classification: Uncertain significance. Last evaluated: 2025-05-20. Review status: criteria provided, single submitter. Criteria: Ambry Variant Classification Scheme 2023. Collection method: clinical testing. Allele origin: germline.
Comment: The p.K557R variant (also known as c.1670A>G), located in coding exon 17 of the SRP72 gene, results from an A to G substitution at nucleotide position 1670. The lysine at codon 557 is replaced by arginine, an amino acid with highly similar properties. This amino acid position is conserved. In addition, the in silico prediction for this alteration is inconclusive. Based on the available evidence, the clinical significance of this variant remains unclear.

NM_006947.4(SRP72):c.1670A>G (p.Lys557Arg)

Gene: SRP72 (signal recognition particle 72; plus strand). Cytogenetic location: 4q12.
Variant type: single nucleotide variant.
Coding change: c.1670A>G on transcript NM_006947.4 (MANE Select); coding-DNA position 1670, A replaced by G.
Protein change: p.Lys557Arg; replaces lysine 557 with arginine.
Molecular consequence: missense variant. On other transcripts: non-coding transcript variant (1).
Genome position (GRCh38, 1-based): chr4:56,495,386, A>G. VCF-style: chr4-56495386-A-G. GRCh37 (hg19) VCF-style: chr4-57361552-A-G.
Other names: c.1487A>G, p.Lys496Arg (NM_001267722.2); short protein forms K496R, K557R.
Identifiers: ClinVar variation 3962113 (VCV003962113.1).
Genomic context (GRCh38, chr4:56,495,386, plus strand): 5'-AGATGGTAATGATTTTTTTTTCTCTTTGTAGACAGGGAGATTTGAAAAAGAAGAAAAAGA[A>G]AAAGAAGGGTAAGGCATTAAAAAAGTCTTTATAAATTTTCTCCAAAATAAATGTTTGATT-3'
Protein context (NP_008878.3, residues 547-567): GQGDLKKKKK[Lys557Arg]KKGKLPKNYD